The following is an entry in ClinVar:

NM_032043.3(BRIP1):c.1085C>G (p.Ala362Gly)

Gene: BRIP1 (BRCA1 interacting DNA helicase 1; minus strand). Cytogenetic location: 17q23.2.
Variant type: single nucleotide variant.
Coding change: c.1085C>G on transcript NM_032043.3 (MANE Select); coding-DNA position 1085, C replaced by G.
Protein change: p.Ala362Gly; replaces alanine 362 with glycine.
Molecular consequence: missense variant.
Genome position (GRCh38, 1-based): chr17:61,801,308, G>C on the plus strand (C>G on the coding strand, the complement: BRIP1 is on the minus strand). VCF-style: chr17-61801308-G-C. GRCh37 (hg19) VCF-style: chr17-59878669-G-C.
Other names: short protein forms A362G.
Identifiers: ClinVar variation 1787447 (VCV001787447.2), dbSNP rs1555607683, ClinGen allele CA400483966.

ClinVar aggregate classification (germline): Uncertain significance (1 of 4 stars; one submission).

Conditions:
Hereditary cancer-predisposing syndrome. Also called: Neoplastic Syndromes, Hereditary; Tumor predisposition; Hereditary Cancer Syndrome; Hereditary neoplastic syndrome. Identifiers: Orphanet 140162, MedGen C0027672, MeSH D009386, MONDO:0015356.

Submission:

Ambry Genetics
Classification: Uncertain significance for Hereditary cancer-predisposing syndrome. Last evaluated: 2021-12-01. Review status: criteria provided, single submitter. Criteria: Ambry Variant Classification Scheme 2023. Collection method: clinical testing. Allele origin: germline.
Comment: The p.A362G variant (also known as c.1085C>G), located in coding exon 7 of the BRIP1 gene, results from a C to G substitution at nucleotide position 1085. The alanine at codon 362 is replaced by glycine, an amino acid with similar properties. This amino acid position is conserved. In addition, the in silico prediction for this alteration is inconclusive. Since supporting evidence is limited at this time, the clinical significance of this alteration remains unclear.